The following is an entry in ClinVar:

NM_000238.4(KCNH2):c.1124C>G (p.Thr375Ser)

Gene: KCNH2 (potassium voltage-gated channel subfamily H member 2; minus strand). Cytogenetic location: 7q36.1.
Variant type: single nucleotide variant.
Coding change: c.1124C>G on transcript NM_000238.4 (MANE Select); coding-DNA position 1124, C replaced by G.
Protein change: p.Thr375Ser; replaces threonine 375 with serine.
Molecular consequence: missense variant. On other transcripts: non-coding transcript variant (1).
Genome position (GRCh38, 1-based): chr7:150,957,295, G>C on the plus strand (C>G on the coding strand, the complement: KCNH2 is on the minus strand). VCF-style: chr7-150957295-G-C. GRCh37 (hg19) VCF-style: chr7-150654383-G-C.
Other names: c.836C>G, p.Thr279Ser (NM_001406753.1, NM_001406756.1); c.947C>G, p.Thr316Ser (NM_001406755.1); c.824C>G, p.Thr275Ser (NM_001406757.1); c.1124C>G, p.Thr375Ser (NM_172056.3); short protein forms T275S, T279S, T316S, T375S.
Identifiers: ClinVar variation 4804687 (VCV004804687.1).
Genomic context (GRCh38, chr7:150,957,295, plus strand): 5'-ACCCCCTCTCCAAGCTCCTCCAAGGTGAGAGGAGAGCCCGGCCGCTGGGCGCCTACCTGG[G>C]TGACCTTCTCAGTGACATTGTGGGTTCGCTCCTTTATCTTAGGTGCTATGATCTCACGGT-3'
Protein context (NP_000229.1, residues 365-385): ERTHNVTEKV[Thr375Ser]QVLSLGADVL

ClinVar aggregate classification (germline): Uncertain significance (1 of 4 stars; one submission).

Conditions:
Long QT syndrome (LQTS). Identifiers: MedGen C0023976, MeSH D008133, MONDO:0002442. Disease mechanism: loss of function. Inheritance: Various modes of inheritance.

Submission:

Labcorp Genetics (formerly Invitae), Labcorp
Classification: Uncertain significance for Long QT syndrome. Last evaluated: 2025-03-19. Review status: criteria provided, single submitter. Criteria: Invitae Variant Classification Sherloc (09022015). Collection method: clinical testing. Allele origin: germline.
Comment: This sequence change replaces threonine, which is neutral and polar, with serine, which is neutral and polar, at codon 375 of the KCNH2 protein (p.Thr375Ser). This variant is not present in population databases (gnomAD no frequency). This variant has not been reported in the literature in individuals affected with KCNH2-related conditions. An algorithm developed to predict the effect of missense changes on protein structure and function (PolyPhen-2) suggests that this variant is likely to be tolerated. In summary, the available evidence is currently insufficient to determine the role of this variant in disease. Therefore, it has been classified as a Variant of Uncertain Significance.